The following is an entry in ClinVar:

NM_001999.4(FBN2):c.5792T>C (p.Met1931Thr)

Gene: FBN2 (fibrillin 2; minus strand). Cytogenetic location: 5q23.3.
Variant type: single nucleotide variant.
Coding change: c.5792T>C on transcript NM_001999.4 (MANE Select); coding-DNA position 5792, T replaced by C.
Protein change: p.Met1931Thr; replaces methionine 1931 with threonine.
Molecular consequence: missense variant.
Genome position (GRCh38, 1-based): chr5:128,304,965, A>G on the plus strand (T>C on the coding strand, the complement: FBN2 is on the minus strand). VCF-style: chr5-128304965-A-G. GRCh37 (hg19) VCF-style: chr5-127640657-A-G.
Other names: short protein forms M1931T.
Identifiers: ClinVar variation 4746540 (VCV004746540.1).

ClinVar aggregate classification (germline): Uncertain significance (1 of 4 stars; one submission).

Conditions:
Congenital contractural arachnodactyly (CCA). Also called: BEALS SYNDROME; Arthrogryposis, distal, type 9; Beals-Hecht syndrome. Identifiers: Orphanet 115, MedGen C0220668, MONDO:0007363, OMIM 121050.

Submission:

Labcorp Genetics (formerly Invitae), Labcorp
Classification: Uncertain significance for Congenital contractural arachnodactyly. Last evaluated: 2025-04-30. Review status: criteria provided, single submitter. Criteria: Invitae Variant Classification Sherloc (09022015). Collection method: clinical testing. Allele origin: germline.
Comment: This sequence change replaces methionine, which is neutral and non-polar, with threonine, which is neutral and polar, at codon 1931 of the FBN2 protein (p.Met1931Thr). This variant is not present in population databases (gnomAD no frequency). This variant has not been reported in the literature in individuals affected with FBN2-related conditions. Invitae Evidence Modeling of protein sequence and biophysical properties (such as structural, functional, and spatial information, amino acid conservation, physicochemical variation, residue mobility, and thermodynamic stability) indicates that this missense variant is not expected to disrupt FBN2 protein function with a negative predictive value of 80%. In summary, the available evidence is currently insufficient to determine the role of this variant in disease. Therefore, it has been classified as a Variant of Uncertain Significance.